The following is an entry in ClinVar:

ClinVar aggregate classification (germline): Conflicting classifications of pathogenicity. Review status: criteria provided, conflicting classifications (1 of 4 stars). 3 submissions from 3 submitters: Uncertain significance (1); Likely benign (2). Last evaluated 2026-04-21.

Conditions:
FOXI1-related disorder. Also called: FOXI1-related condition.
Autosomal recessive nonsyndromic hearing loss 4 (DFNB4). Also called: Deafness, autosomal recessive 4, with enlarged vestibular aqueduct; DEAFNESS, AUTOSOMAL RECESSIVE 4, WITH ENLARGED VESTIBULAR AQUEDUCT, DIGENIC; Deafness, autosomal recessive 4; Enlarged vestibular aqueduct, digenic; Nonsyndromic enlarged vestibular aqueduct (NSEVA); FOXI1-Related Pendred Syndrome. Identifiers: Orphanet 90636, MedGen C3538946, MONDO:0010933, OMIM 600791.

Allele frequency attached by ClinVar (database versions not stated): TOPMed 0.00003; gnomAD exomes 0.00050; ExAC 0.00065; 1000 Genomes Project 0.00180; 1000 Genomes Project 30x 0.00250.
gnomAD v4.1: 413 of 1,614,158 alleles (0.026%); highest among the groups gnomAD compares: South Asian, 0.43%; 3 homozygotes.

Submissions (3):

PreventionGenetics, part of Exact Sciences
Classification: Likely benign for FOXI1-related condition. Last evaluated: 2026-04-21. Review status: criteria provided, single submitter. Criteria: ACMG Guidelines, 2015. Collection method: clinical testing. Allele origin: germline.
Comment: This variant is classified as likely benign based on ACMG/AMP sequence variant interpretation guidelines (Richards et al. 2015 PMID: 25741868, with internal and published modifications).

Labcorp Genetics (formerly Invitae), Labcorp
Classification: Likely benign. Last evaluated: 2025-03-16. Review status: criteria provided, single submitter. Criteria: Invitae Variant Classification Sherloc (09022015). Collection method: clinical testing. Allele origin: germline.

Illumina Laboratory Services, Illumina
Classification: Uncertain significance for Autosomal recessive nonsyndromic hearing loss 4. Last evaluated: 2018-01-13. Review status: criteria provided, single submitter. Criteria: ICSL Variant Classification Criteria 13 December 2019. Collection method: clinical testing. Allele origin: germline.

NM_012188.5(FOXI1):c.727C>A (p.Pro243Thr)

Gene: FOXI1 (forkhead box I1; plus strand). Cytogenetic location: 5q35.1.
Variant type: single nucleotide variant.
Coding change: c.727C>A on transcript NM_012188.5 (MANE Select); coding-DNA position 727, C replaced by A.
Protein change: p.Pro243Thr; replaces proline 243 with threonine.
Molecular consequence: missense variant. On other transcripts: intron variant (1).
Genome position (GRCh38, 1-based): chr5:170,108,201, C>A. VCF-style: chr5-170108201-C-A. GRCh37 (hg19) VCF-style: chr5-169535205-C-A.
Other names: c.575-133C>A (NM_144769.4); short protein forms P243T.
Identifiers: ClinVar variation 905417 (VCV000905417.12), dbSNP rs377539902, ClinGen allele CA3555086.
Genomic context (GRCh38, chr5:170,108,201, plus strand): 5'-TCCTCTAGCACAGCCTCCTTGGCCTTAGAGAAGACAGAGAGCAGTCTCCCGGTGGACAGC[C>A]CCAAGACCACGGAGCCTCAGGACATCTTGGATGGAGCCTCACCAGGGGGCACCACCAGCT-3'
Protein context (NP_036320.2, residues 233-253): KTESSLPVDS[Pro243Thr]KTTEPQDILD